The following is an entry in ClinVar:

NM_025216.3(WNT10A):c.338G>C (p.Arg113Pro)

Gene: WNT10A (Wnt family member 10A; plus strand). Cytogenetic location: 2q35.
Variant type: single nucleotide variant.
Coding change: c.338G>C on transcript NM_025216.3 (MANE Select); coding-DNA position 338, G replaced by C.
Protein change: p.Arg113Pro; replaces arginine 113 with proline.
Molecular consequence: missense variant.
Genome position (GRCh38, 1-based): chr2:218,882,385, G>C. VCF-style: chr2-218882385-G-C. GRCh37 (hg19) VCF-style: chr2-219747107-G-C.
Other names: short protein forms R113P.
Identifiers: ClinVar variation 3757743 (VCV003757743.2).

ClinVar aggregate classification (germline): Uncertain significance (1 of 4 stars; one submission).

Conditions:
Odonto-onycho-dermal dysplasia. Identifiers: Orphanet 2721, MedGen C0796093, MONDO:0009773, OMIM 257980.
Tooth agenesis, selective, 4 (STHAG4). Also called: LATERAL INCISORS, ABSENCE OF; LATERAL INCISORS, PEGGED OR MISSING; SUCCEDANEOUS TEETH, AGENESIS OF; TOOTH AGENESIS, SELECTIVE, 4, WITH OR WITHOUT ECTODERMAL DYSPLASIA. Identifiers: Orphanet 99798, MedGen C1835492, MONDO:0007881, OMIM 150400. Disease mechanism: loss of function.

Submission:

Labcorp Genetics (formerly Invitae), Labcorp
Classification: Uncertain significance for Tooth agenesis, selective, 4; Odonto-onycho-dermal dysplasia. Last evaluated: 2024-08-31. Review status: criteria provided, single submitter. Criteria: Invitae Variant Classification Sherloc (09022015). Collection method: clinical testing. Allele origin: germline.
Comment: This sequence change replaces arginine, which is basic and polar, with proline, which is neutral and non-polar, at codon 113 of the WNT10A protein (p.Arg113Pro). This variant is not present in population databases (gnomAD no frequency). This variant has not been reported in the literature in individuals affected with WNT10A-related conditions. Invitae Evidence Modeling of protein sequence and biophysical properties (such as structural, functional, and spatial information, amino acid conservation, physicochemical variation, residue mobility, and thermodynamic stability) indicates that this missense variant is not expected to disrupt WNT10A protein function with a negative predictive value of 80%. In summary, the available evidence is currently insufficient to determine the role of this variant in disease. Therefore, it has been classified as a Variant of Uncertain Significance.